The following is an entry in ClinVar:

ClinVar aggregate classification (germline): Pathogenic/Likely pathogenic. Review status: criteria provided, multiple submitters, no conflicts (2 of 4 stars). 2 submissions from 2 submitters: Pathogenic (1); Likely pathogenic (1). Last evaluated 2024-03-12.

Conditions:
Usher syndrome type 2A. Also called: RETINAL DISEASE IN USHER SYNDROME TYPE IIA, MODIFIER OF; USHER SYNDROME, TYPE IIA. Identifiers: Orphanet 231178, Orphanet 886, MedGen C1848634, MONDO:0010169, OMIM 276901.
Retinitis pigmentosa 39 (RP39). Identifiers: Orphanet 791, MedGen C3151138, MONDO:0013436, OMIM 613809.

Submissions (2):

Fulgent Genetics
Classification: Likely pathogenic for Usher syndrome type 2A; Retinitis pigmentosa 39. Last evaluated: 2024-03-12. Review status: criteria provided, single submitter. Criteria: ACMG Guidelines, 2015. Collection method: clinical testing. Allele origin: germline.

Labcorp Genetics (formerly Invitae), Labcorp
Classification: Pathogenic. Last evaluated: 2018-11-20. Review status: criteria provided, single submitter. Criteria: Invitae Variant Classification Sherloc (09022015). Collection method: clinical testing. Allele origin: germline.
Comment: For these reasons, this variant has been classified as Pathogenic. Loss-of-function variants in USH2A are known to be pathogenic (PMID: 10729113, 10909849, 20507924, 25649381). This variant has been observed in an individual affected with Usher syndrome type II, however this individual only had 1 variant in the USH2A gene (PMID: 16963483). This variant is not present in population databases (ExAC no frequency). This sequence change creates a premature translational stop signal (p.Cys1002Valfs*9) in the USH2A gene. It is expected to result in an absent or disrupted protein product.

Literature cited by the submitters: PubMed 10729113 (cited by Labcorp Genetics (formerly Invitae), Labcorp); PubMed 10909849 (cited by Labcorp Genetics (formerly Invitae), Labcorp); PubMed 20507924 (cited by Labcorp Genetics (formerly Invitae), Labcorp); PubMed 25649381 (cited by Labcorp Genetics (formerly Invitae), Labcorp); PubMed 16963483 (cited by Labcorp Genetics (formerly Invitae), Labcorp).

NM_206933.4(USH2A):c.3004del (p.Cys1002fs)

Genes: USH2A (usherin; minus strand), USH2A-AS1 (USH2A antisense RNA 1; plus strand). Cytogenetic location: 1q41.
Variant type: Deletion.
Coding change: c.3004del on transcript NM_206933.4 (MANE Select); coding-DNA position 3004, one base deleted (T; older notation c.3004delT).
Protein change: p.Cys1002fs; shifts the reading frame from cysteine 1002.
Molecular consequence: frameshift variant.
Genome position (GRCh38, 1-based): chr1:216,217,540, A deleted on the plus strand (T on the coding strand, the reverse complement: USH2A is on the minus strand); the first of 2 consecutive A bases (chr1:216,217,540-216,217,541); deleting either gives the same sequence. VCF-style (leftmost placement, unchanged base first): chr1-216217539-CA-C. GRCh37 (hg19) VCF-style: chr1-216390881-CA-C.
Other names: c.3004del, p.Cys1002fs (NM_007123.6); c.3004delT (NM_206933.2); short protein forms C1002fs.
Identifiers: ClinVar variation 653649 (VCV000653649.9), dbSNP rs1572060089, ClinGen allele CA915942034.